The following is an entry in ClinVar:

ClinVar aggregate classification (germline): Uncertain significance (1 of 4 stars; one submission).

Conditions:
Perlman syndrome (PRLMNS). Identifiers: Orphanet 2849, MedGen C0796113, MONDO:0009965, OMIM 267000.

Submission:

Labcorp Genetics (formerly Invitae), Labcorp
Classification: Uncertain significance for Perlman syndrome. Last evaluated: 2023-09-25. Review status: criteria provided, single submitter. Criteria: Invitae Variant Classification Sherloc (09022015). Collection method: clinical testing. Allele origin: germline.
Comment: This sequence change replaces cysteine, which is neutral and slightly polar, with glycine, which is neutral and non-polar, at codon 797 of the DIS3L2 protein (p.Cys797Gly). This variant is not present in population databases (gnomAD no frequency). This variant has not been reported in the literature in individuals affected with DIS3L2-related conditions. ClinVar contains an entry for this variant (Variation ID: 1016076). Advanced modeling of protein sequence and biophysical properties (such as structural, functional, and spatial information, amino acid conservation, physicochemical variation, residue mobility, and thermodynamic stability) performed at Invitae indicates that this missense variant is not expected to disrupt DIS3L2 protein function. In summary, the available evidence is currently insufficient to determine the role of this variant in disease. Therefore, it has been classified as a Variant of Uncertain Significance.

NM_152383.5(DIS3L2):c.2389T>G (p.Cys797Gly)

Gene: DIS3L2 (DIS3 like 3'-5' exoribonuclease 2; plus strand). Cytogenetic location: 2q37.1.
Variant type: single nucleotide variant.
Coding change: c.2389T>G on transcript NM_152383.5 (MANE Select); coding-DNA position 2389, T replaced by G.
Protein change: p.Cys797Gly; replaces cysteine 797 with glycine.
Molecular consequence: missense variant. On other transcripts: non-coding transcript variant (2), intron variant (1).
Genome position (GRCh38, 1-based): chr2:232,334,730, T>G. VCF-style: chr2-232334730-T-G. GRCh37 (hg19) VCF-style: chr2-233199440-T-G.
Other names: c.1582-8615T>G (NM_001257281.2); short protein forms C797G.
Identifiers: ClinVar variation 1016076 (VCV001016076.8), dbSNP rs1695884909, ClinGen allele CA350978110.